The following is an entry in ClinVar:

ClinVar aggregate classification (germline): Uncertain significance. Review status: criteria provided, multiple submitters, no conflicts (2 of 4 stars). 3 submissions from 3 submitters: Uncertain significance (2). 1 of the submissions does not count toward it. Last evaluated 2022-12-01.

Conditions:
Bardet-Biedl syndrome (BBS). Identifiers: Orphanet 110, MedGen C0752166, MONDO:0015229.
TTC8-related disorder. Also called: TTC8-related condition.

Allele frequency attached by ClinVar (database versions not stated): gnomAD exomes below 0.00001; TOPMed below 0.00001; gnomAD 0.00001.
gnomAD v4.1: 5 of 1,613,982 alleles (0.00031%); highest among the groups gnomAD compares: Non-Finnish European, 0.00042%; no homozygotes.

Submissions (3):

Blueprint Genetics
Classification: Uncertain significance. Last evaluated: 2022-12-01. Review status: criteria provided, single submitter. Criteria: ACMG Guidelines, 2015. Collection method: clinical testing. Allele origin: germline.

Labcorp Genetics (formerly Invitae), Labcorp
Classification: Uncertain significance for Bardet-Biedl syndrome. Last evaluated: 2021-09-15. Review status: criteria provided, single submitter. Criteria: Invitae Variant Classification Sherloc (09022015). Collection method: clinical testing. Allele origin: germline.
Comment: This sequence change replaces isoleucine with valine at codon 109 of the TTC8 protein (p.Ile109Val). The isoleucine residue is moderately conserved and there is a small physicochemical difference between isoleucine and valine. This variant is not present in population databases (ExAC no frequency). This variant has not been reported in the literature in individuals affected with TTC8-related conditions. Algorithms developed to predict the effect of missense changes on protein structure and function output the following: SIFT: "Tolerated"; PolyPhen-2: "Benign"; Align-GVGD: "Class C0". The valine amino acid residue is found in multiple mammalian species, which suggests that this missense change does not adversely affect protein function. In summary, the available evidence is currently insufficient to determine the role of this variant in disease. Therefore, it has been classified as a Variant of Uncertain Significance.

PreventionGenetics, part of Exact Sciences
Classification: Uncertain significance for TTC8-related condition. Last evaluated: 2024-04-18. Review status: no assertion criteria provided. Collection method: clinical testing. Allele origin: germline. Not counted in ClinVar's aggregate classification.
Comment: The TTC8 c.355A>G variant is predicted to result in the amino acid substitution p.Ile119Val. To our knowledge, this variant has not been reported in the literature or in a large population database, indicating this variant is rare. At this time, the clinical significance of this variant is uncertain due to the absence of conclusive functional and genetic evidence.

NM_144596.4(TTC8):c.355A>G (p.Ile119Val)

Gene: TTC8 (tetratricopeptide repeat domain 8; plus strand). Cytogenetic location: 14q31.3.
Variant type: single nucleotide variant.
Coding change: c.355A>G on transcript NM_144596.4 (MANE Select); coding-DNA position 355, A replaced by G.
Protein change: p.Ile119Val; replaces isoleucine 119 with valine.
Molecular consequence: missense variant. On other transcripts: 5 prime UTR variant (2), non-coding transcript variant (1).
Genome position (GRCh38, 1-based): chr14:88,841,062, A>G. VCF-style: chr14-88841062-A-G. GRCh37 (hg19) VCF-style: chr14-89307406-A-G.
Other names: c.325A>G, p.Ile109Val (NM_001288781.1, NM_001366535.2, NM_001366536.2 and 2 more transcripts); c.-238A>G (NM_001288782.1); c.-333A>G (NM_001288783.1); c.355A>G (NM_144596.3); short protein forms I109V, I119V.
Identifiers: ClinVar variation 866453 (VCV000866453.8), dbSNP rs1188208020, ClinGen allele CA390574169.